The following is an entry in ClinVar:

ClinVar aggregate classification (germline): Uncertain significance. Review status: criteria provided, multiple submitters, no conflicts (2 of 4 stars). 2 submissions from 2 submitters: Uncertain significance (2). Last evaluated 2024-08-19.

Conditions:
Cardiovascular phenotype. Identifiers: MedGen CN230736.
Dilated cardiomyopathy 1W (CMD1W). Identifiers: Orphanet 154, MedGen C1969639, MONDO:0012667, OMIM 611407.

gnomAD v4.1: 3 of 1,612,818 alleles (0.00019%); highest among the groups gnomAD compares: South Asian, 0.0022%; no homozygotes.

Submissions (2):

Ambry Genetics
Classification: Uncertain significance for Cardiovascular phenotype. Last evaluated: 2024-08-19. Review status: criteria provided, single submitter. Criteria: Ambry Variant Classification Scheme 2023. Collection method: clinical testing. Allele origin: germline.
Comment: The p.R7H variant (also known as c.20G>A), located in coding exon 1 of the VCL gene, results from a G to A substitution at nucleotide position 20. The arginine at codon 7 is replaced by histidine, an amino acid with highly similar properties. This amino acid position is not well conserved in available vertebrate species. In addition, this alteration is predicted to be tolerated by in silico analysis. Since supporting evidence is limited at this time, the clinical significance of this alteration remains unclear.

Labcorp Genetics (formerly Invitae), Labcorp
Classification: Uncertain significance for Dilated cardiomyopathy 1W. Last evaluated: 2022-11-15. Review status: criteria provided, single submitter. Criteria: Invitae Variant Classification Sherloc (09022015). Collection method: clinical testing. Allele origin: germline.
Comment: Algorithms developed to predict the effect of missense changes on protein structure and function are either unavailable or do not agree on the potential impact of this missense change (SIFT: "Not Available"; PolyPhen-2: "Possibly Damaging"; Align-GVGD: "Not Available"). ClinVar contains an entry for this variant (Variation ID: 1378723). This variant has not been reported in the literature in individuals affected with VCL-related conditions. The frequency data for this variant in the population databases is considered unreliable, as metrics indicate poor data quality at this position in the gnomAD database. This sequence change replaces arginine with histidine at codon 7 of the VCL protein (p.Arg7His). The arginine residue is moderately conserved and there is a small physicochemical difference between arginine and histidine. In summary, the available evidence is currently insufficient to determine the role of this variant in disease. Therefore, it has been classified as a Variant of Uncertain Significance.

NM_014000.3(VCL):c.20G>A (p.Arg7His)

Genes: VCL (vinculin; plus strand), LOC130004109 (ATAC-STARR-seq lymphoblastoid active region 3587; plus strand). Cytogenetic location: 10q22.2.
Variant type: single nucleotide variant.
Coding change: c.20G>A on transcript NM_014000.3 (MANE Select); coding-DNA position 20, G replaced by A.
Protein change: p.Arg7His; replaces arginine 7 with histidine.
Molecular consequence: missense variant.
Genome position (GRCh38, 1-based): chr10:73,998,227, G>A. VCF-style: chr10-73998227-G-A. GRCh37 (hg19) VCF-style: chr10-75757985-G-A.
Other names: c.20G>A, p.Arg7His (NM_003373.4); short protein forms R7H.
Identifiers: ClinVar variation 1378723 (VCV001378723.9), dbSNP rs764871020, ClinGen allele CA377254595.